The following is an entry in ClinVar:

ClinVar aggregate classification (germline): Conflicting classifications of pathogenicity. Review status: criteria provided, conflicting classifications (1 of 4 stars). 3 submissions from 3 submitters: Uncertain significance (1); Benign (1); Likely benign (1). Last evaluated 2026-07-08.

Conditions:
Gastrointestinal stromal tumor. Also called: Gastrointestinal stromal tumor, somatic; Gastrointestinal stroma tumor. Identifiers: Orphanet 44890, MedGen C0238198, MeSH D046152, MONDO:0011719, OMIM 606764, HP:0100723.
Hereditary cancer-predisposing syndrome. Also called: Hereditary Cancer Syndrome; Hereditary neoplastic syndrome; Neoplastic Syndromes, Hereditary; Tumor predisposition. Identifiers: Orphanet 140162, MedGen C0027672, MeSH D009386, MONDO:0015356.

Submissions (3):

Ambry Genetics
Classification: Uncertain significance for Hereditary cancer-predisposing syndrome. Last evaluated: 2026-07-08. Review status: criteria provided, single submitter. Criteria: Ambry Variant Classification Scheme 2023. Collection method: clinical testing. Allele origin: germline.
Comment: The c.2604C>T variant (also known as p.S868S), located in coding exon 19 of the KIT gene, results from a C to T substitution at nucleotide position 2604. This nucleotide substitution does not change the amino acid at codon 868. This nucleotide position is well conserved in available vertebrate species. In silico splice site analysis for this alteration is inconclusive. Based on the available evidence, the clinical significance of this variant remains unclear.

Myriad Genetics, Inc.
Classification: Benign for Gastrointestinal stromal tumor. Last evaluated: 2026-06-05. Review status: criteria provided, single submitter. Criteria: Myriad Autosomal Dominant, Autosomal Recessive and X-Linked Classification Criteria (2023). Collection method: clinical testing. Allele origin: unknown.
Comment: This variant is considered benign. This variant is a silent/synonymous amino acid change and it is not expected to impact splicing.

Labcorp Genetics (formerly Invitae), Labcorp
Classification: Likely benign for Gastrointestinal stromal tumor. Last evaluated: 2022-11-29. Review status: criteria provided, single submitter. Criteria: Invitae Variant Classification Sherloc (09022015). Collection method: clinical testing. Allele origin: germline.

NM_000222.3(KIT):c.2604C>T (p.Ser868=)

Gene: KIT (KIT proto-oncogene, receptor tyrosine kinase; plus strand). Cytogenetic location: 4q12.
Variant type: single nucleotide variant.
Coding change: c.2604C>T on transcript NM_000222.3 (MANE Select); coding-DNA position 2604, C replaced by T.
Protein change: p.Ser868=; no amino-acid change (serine 868 retained).
Molecular consequence: synonymous variant.
Genome position (GRCh38, 1-based): chr4:54,736,728, C>T. VCF-style: chr4-54736728-C-T. GRCh37 (hg19) VCF-style: chr4-55602894-C-T.
Other names: c.2592C>T, p.Ser864= (NM_001093772.2, NM_001385292.1); c.2607C>T, p.Ser869= (NM_001385284.1); c.2601C>T, p.Ser867= (NM_001385285.1); c.2589C>T, p.Ser863= (NM_001385286.1); c.2595C>T, p.Ser865= (NM_001385288.1); c.2604C>T, p.Ser868= (NM_001385290.1).
Identifiers: ClinVar variation 2879311 (VCV002879311.5), dbSNP rs2109812266, ClinGen allele CA439292103.